The following is an entry in ClinVar:

NM_001100.4(ACTA1):c.687G>A (p.Met229Ile)

Gene: ACTA1 (actin alpha 1, skeletal muscle; minus strand). Cytogenetic location: 1q42.13.
Variant type: single nucleotide variant.
Coding change: c.687G>A on transcript NM_001100.4 (MANE Select); coding-DNA position 687, G replaced by A.
Protein change: p.Met229Ile; replaces methionine 229 with isoleucine.
Molecular consequence: missense variant.
Genome position (GRCh38, 1-based): chr1:229,432,115, C>T on the plus strand (G>A on the coding strand, the complement: ACTA1 is on the minus strand). VCF-style: chr1-229432115-C-T. GRCh37 (hg19) VCF-style: chr1-229567862-C-T.
Other names: NM_001100.4:c.687G>A; short protein forms M229I.
Identifiers: ClinVar variation 4976913 (VCV004976913.1).

ClinVar aggregate classification (germline): Pathogenic (3 of 4 stars; one submission).

Conditions:
Alpha-actinopathy. Also called: Actinopathy. Identifiers: MedGen CN295279, MONDO:0100084.

Submission:

ClinGen Congenital Myopathies Variant Curation Expert Panel, ClinGen
Classification: Pathogenic for Alpha-actinopathy. Last evaluated: 2026-09-14. Review status: reviewed by expert panel. Criteria: ClinGen CongenMyopathy ACMG Specifications ACTA1_AD_ V2.0.0. Collection method: curation. Allele origin: germline. Inheritance: Autosomal dominant inheritance.
Comment: The NM_001100.4(ACTA1):c.687G>A variant in ACTA1 is a missense variant predicted to cause substitution of methionine by isoleucine at amino acid 229 (p.Met229Ile, also known as p.Met227Thr). This variant is absent from gnomAD v4.1.1 (PM2_Supporting). The computational predictor REVEL gives a score of 0.842, which is above the threshold of 0.7, evidence that correlates with impact to ACTA1 function (PP3). ACTA1, in which the variant was identified, is defined by the ClinGen Congenital Myopathies VCEP as a gene that has a low rate of benign missense variation and where pathogenic missense variants are a common mechanism of disease (PP2). Different missense variants (c.686T>C (p.Met229Thr), c.685A>T (p.Met229Leu) and c.685A>G (p.Met229Val)) in the same codon have been classified as pathogenic/ likely pathogenic for alpha-actinopathy by the ClinGen Congenital Myopathies VCEP (PM5_Strong; SCV007612356.1, SCV007612355.1, SCV007612357.1). This variant has been reported in two probands with clinical features of congenital myopathies, of which one was a de novo case with confirmed parental relationship (PS4_Supporting, PS2_Moderate; PMID: 38544359, 12921789). In summary, this variant meets the criteria to be classified as pathogenic for autosomal dominant alpha-actinopathy based on the ACMG/AMP criteria applied, as specified by the ClinGen Congenital Myopathies VCEP: PM2_Supporting, PP3, PP2, PM5_Strong, PS4_Supporting, PS2_Moderate (ClinGen Congenital Myopathies VCEP specifications version 2.0)